The following continues an entry in ClinVar:

NM_001126108.2(SLC12A3):c.1180+1G>T

Gene: SLC12A3. ClinVar aggregate classification (germline): Pathogenic. Pathogenic (18).

Submissions 14 to 19 of 19:

Molecular Genetics, Royal Melbourne Hospital
Classification: Pathogenic for Familial hypokalemia-hypomagnesemia. Last evaluated: 2021-03-11. Review status: criteria provided, single submitter. Criteria: ACMG Guidelines, 2015. Collection method: clinical testing. Allele origin: germline. Affected: yes.
Comment: This sequence change affects the canonical donor splice site in intron 9 of SLC12A3. It is a confirmed spliceogenic variant that causes exon 9 skipping in RNA splicing assays, which is expected to result in nonsense-mediate decay (PS3; PMID: 16221718). Loss of function is a well established mechanism of disease for SLC12A3 (PVS1). The variant is present in a large population cohort at a frequency of 0.003% (rs749098014, 7/248,628 alleles, 0 homozygotes in gnomAD v2.1.1 - PM2), which is consistent with a recessive disorder. It has been identified in the homozygous state or compound heterozygous with another pathogenic allele in at least 15 cases with a clinical diagnosis of Gitelman syndrome (PMID: 14675033, 25422309, 28325561 - PM3_VeryStrong). Based on the classification scheme RMH ACMG Guidelines v1.1.1, this variant is classified as PATHOGENIC. Following criteria are met: PVS1, PM3_VeryStrong, PS3, PM2.

Molecular Biology Laboratory, Fundació Puigvert
Classification: Pathogenic for Familial hypokalemia-hypomagnesemia. Last evaluated: 2020-02-01. Review status: criteria provided, single submitter. Criteria: ACMG Guidelines, 2015. Collection method: research. Allele origin: inherited. Affected: yes. Study: KidneyPanel_2020.

Gharavi Laboratory, Columbia University
Classification: Pathogenic. Last evaluated: 2018-09-16. Review status: criteria provided, single submitter. Criteria: ACMG Guidelines, 2015. Collection method: research. Allele origin: germline. Affected: yes.

Center of Genomic medicine, Geneva, University Hospital of Geneva
Classification: Pathogenic for Familial hypokalemia-hypomagnesemia. Last evaluated: 2017-01-16. Review status: criteria provided, single submitter. Criteria: ACMG Guidelines, 2015. Collection method: clinical testing. Allele origin: inherited. Affected: yes.

Kariminejad - Najmabadi Pathology & Genetics Center
Classification: Pathogenic for Familial hypokalemia-hypomagnesemia. Review status: criteria provided, single submitter. Criteria: ACMG Guidelines, 2015. Collection method: clinical testing. Allele origin: germline. Affected: no.

Bioscientia Institut fuer Medizinische Diagnostik GmbH, Sonic Healthcare
Classification: Pathogenic for Familial hypokalemia-hypomagnesemia. Last evaluated: 2020-03-26. Review status: no assertion criteria provided. Collection method: clinical testing. Allele origin: germline. Affected: yes. Not counted in ClinVar's aggregate classification.

Literature cited by the submitters: PubMed 16199547 (cited by Labcorp Genetics (formerly Invitae), Labcorp); PubMed 20848653 (cited by Labcorp Genetics (formerly Invitae), Labcorp); PubMed 22009145 (cited by Labcorp Genetics (formerly Invitae), Labcorp); PubMed 25841442 (cited by Labcorp Genetics (formerly Invitae), Labcorp); PubMed 14675033 (cited by 3 submitters); PubMed 25422309 (cited by 3 submitters); PubMed 28325561 (cited by 3 submitters); PubMed 21753071 (cited by Natera, Inc.); PubMed 16221718 (cited by Molecular Genetics, Royal Melbourne Hospital); PubMed 33532864 (cited by Molecular Biology Laboratory, Fundació Puigvert).